The following is an entry in ClinVar:

ClinVar aggregate classification (germline): Uncertain significance (1 of 4 stars; one submission).

Submission:

Labcorp Genetics (formerly Invitae), Labcorp
Classification: Uncertain significance. Last evaluated: 2022-05-13. Review status: criteria provided, single submitter. Criteria: Invitae Variant Classification Sherloc (09022015). Collection method: clinical testing. Allele origin: germline.
Comment: In summary, the available evidence is currently insufficient to determine the role of this variant in disease. Therefore, it has been classified as a Variant of Uncertain Significance. Variants that disrupt the consensus splice site are a relatively common cause of aberrant splicing (PMID: 17576681, 9536098). Algorithms developed to predict the effect of sequence changes on RNA splicing suggest that this variant may disrupt the consensus splice site. This variant has not been reported in the literature in individuals affected with COL18A1-related conditions. This variant is not present in population databases (gnomAD no frequency). This sequence change falls in intron 35 of the COL18A1 gene. It does not directly change the encoded amino acid sequence of the COL18A1 protein. It affects a nucleotide within the consensus splice site.

Literature cited by the submitters: PubMed 17576681; PubMed 9536098.

NM_001379500.1(COL18A1):c.3013+6T>C

Genes: COL18A1 (collagen type XVIII alpha 1 chain; plus strand), SLC19A1 (solute carrier family 19 member 1; minus strand). Cytogenetic location: 21q22.3.
Variant type: single nucleotide variant.
Coding change: c.3013+6T>C on transcript NM_001379500.1 (MANE Select); 6 bases into the intron after coding-DNA position 3013, T replaced by C.
Molecular consequence: intron variant.
Genome position (GRCh38, 1-based): chr21:45,505,284, T>C. VCF-style: chr21-45505284-T-C. GRCh37 (hg19) VCF-style: chr21-46925198-T-C.
Other names: c.4258+6T>C (NM_130444.3); c.3553+6T>C (NM_030582.4).
Identifiers: ClinVar variation 2102700 (VCV002102700.4), dbSNP rs1167586883, ClinGen allele CA2580098865.